The following is an entry in ClinVar:

ClinVar aggregate classification (germline): Benign/Likely benign. Review status: criteria provided, multiple submitters, no conflicts (2 of 4 stars). 2 submissions from 2 submitters: Benign (1); Likely benign (1). Last evaluated 2024-04-23.

Conditions:
Familial cancer of breast. Also called: Hereditary breast cancer; hereditary breast carcinoma; BREAST CANCER, FAMILIAL. Identifiers: Orphanet 227535, MedGen C0346153, MONDO:0016419, OMIM 114480. Disease mechanism: loss of function.

Submissions (2):

Myriad Genetics, Inc.
Classification: Benign for Familial cancer of breast. Last evaluated: 2024-04-23. Review status: criteria provided, single submitter. Criteria: Myriad Autosomal Dominant, Autosomal Recessive and X-Linked Classification Criteria (2023). Collection method: clinical testing. Allele origin: unknown.
Comment: This variant is considered benign. This variant is a silent/synonymous amino acid change and it is not expected to impact splicing.

GeneDx
Classification: Likely benign. Last evaluated: 2016-09-19. Review status: criteria provided, single submitter. Criteria: GeneDx Variant Classification (06012015). Collection method: clinical testing. Allele origin: germline. Affected: yes.
Comment: This variant is considered likely benign or benign based on one or more of the following criteria: it is a conservative change, it occurs at a poorly conserved position in the protein, it is predicted to be benign by multiple in silico algorithms, and/or has population frequency not consistent with disease.

NM_000051.4(ATM):c.843A>G (p.Glu281=)

Gene: ATM (ATM serine/threonine kinase; plus strand). Cytogenetic location: 11q22.3.
Variant type: single nucleotide variant.
Coding change: c.843A>G on transcript NM_000051.4 (MANE Select); coding-DNA position 843, A replaced by G.
Protein change: p.Glu281=; no amino-acid change (glutamic acid 281 retained).
Molecular consequence: synonymous variant.
Genome position (GRCh38, 1-based): chr11:108,244,968, A>G. VCF-style: chr11-108244968-A-G. GRCh37 (hg19) VCF-style: chr11-108115695-A-G.
Other names: c.843A>G, p.Glu281= (NM_001351834.2).
Identifiers: ClinVar variation 389421 (VCV000389421.2), dbSNP rs1057523419, ClinGen allele CA16605757.
Genomic context (GRCh38, chr11:108,244,968, plus strand): 5'-TTTGCTTTATATTTGGACTCAACATAGGCTTAATGATTCTTTAAAAGAAGTCATTATTGA[A>G]TTATTTCAACTGCAAATTTATATCCATCATCCGAAAGGAGCCAAAACCCAAGAAAAAGGT-3'
Protein context (NP_000042.3, residues 271-291): LNDSLKEVII[Glu281=]LFQLQIYIHH